The following is an entry in ClinVar:

ClinVar aggregate classification (germline): Uncertain significance (1 of 4 stars; one submission).

Conditions:
Cardiovascular phenotype. Identifiers: MedGen CN230736.

Submission:

Ambry Genetics
Classification: Uncertain significance for Cardiovascular phenotype. Last evaluated: 2024-09-12. Review status: criteria provided, single submitter. Criteria: Ambry Variant Classification Scheme 2023. Collection method: clinical testing. Allele origin: germline.
Comment: The p.E1552* variant (also known as c.4654G>T), located in coding exon 32 of the MYH7 gene, results from a G to T substitution at nucleotide position 4654. This changes the amino acid from a glutamic acid to a stop codon within coding exon 32. This alteration is expected to result in protein truncation or nonsense-mediated mRNA decay. However, loss of function of MYH7 has not been established as a mechanism of disease. Based on the available evidence, the clinical significance of this alteration remains unclear.

NM_000257.4(MYH7):c.4654G>T (p.Glu1552Ter)

Genes: MHRT (myosin heavy chain associated RNA transcript; plus strand), MYH7 (myosin heavy chain 7; minus strand), LOC126861897 (BRD4-independent group 4 enhancer GRCh37_chr14:23884455-23885654; plus strand). Cytogenetic location: 14q11.2.
Variant type: single nucleotide variant.
Coding change: c.4654G>T on transcript NM_000257.4 (MANE Select); coding-DNA position 4654, G replaced by T.
Protein change: p.Glu1552Ter; replaces glutamic acid 1552 with a stop codon.
Molecular consequence: nonsense.
Genome position (GRCh38, 1-based): chr14:23,416,303, C>A on the plus strand (G>T on the coding strand, the complement: MYH7 is on the minus strand). VCF-style: chr14-23416303-C-A. GRCh37 (hg19) VCF-style: chr14-23885512-C-A.
Other names: c.4654G>T, p.Glu1552Ter (NM_001407004.1); short protein forms E1552*.
Identifiers: ClinVar variation 3400931 (VCV003400931.1).
Genomic context (GRCh38, chr14:23,416,303, plus strand): 5'-TCTCTGCCTTGATCTGGTTGAACTCCAGCTGGGCCCGGAGGATCTTGCCCTCCTCGTGCT[C>A]CAGGGAGGCCTGGGAAGGGGTTGGGGGAGGGGATGCAGGCAGACAGTCAGGGCACAGGGC-3'